The following is an entry in ClinVar:

NM_018417.6(ADCY10):c.986A>G (p.Gln329Arg)

Genes: ADCY10 (adenylate cyclase 10; minus strand), DCAF6 (DDB1 and CUL4 associated factor 6; plus strand). Cytogenetic location: 1q24.2.
Variant type: single nucleotide variant.
Coding change: c.986A>G on transcript NM_018417.6 (MANE Select); coding-DNA position 986, A replaced by G.
Protein change: p.Gln329Arg; replaces glutamine 329 with arginine.
Molecular consequence: missense variant.
Genome position (GRCh38, 1-based): chr1:167,883,471, T>C on the plus strand (A>G on the coding strand, the complement: ADCY10 is on the minus strand). VCF-style: chr1-167883471-T-C. GRCh37 (hg19) VCF-style: chr1-167852709-T-C.
Other names: c.527A>G, p.Gln176Arg (NM_001167749.3); c.710A>G, p.Gln237Arg (NM_001297772.2); c.986A>G (NM_018417.5); short protein forms Q176R, Q329R, Q237R.
Identifiers: ClinVar variation 4637925 (VCV004637925.3).
Genomic context (GRCh38, chr1:167,883,471, plus strand): 5'-GTTCCCATCCCATAGTTCACACTTACCTTGTCAAACATGAAGACTTTATTGATTTGGCCT[T>C]GGAAGATCTTCAGGACAGAAGTGATGTGCATATAGGCATCCTGGATGGCTGGGCCTATCT-3'
Protein context (NP_060887.2, residues 319-339): MHITSVLKIF[Gln329Arg]GQINKVFMFD

ClinVar aggregate classification (germline): Conflicting classifications of pathogenicity. Review status: criteria provided, conflicting classifications (1 of 4 stars). 3 submissions from 3 submitters: Uncertain significance (1); Likely benign (2). Last evaluated 2025-11-02.

Conditions:
ADCY10-related disorder. Also called: ADCY10-related condition.

Submissions (3):

Ambry Genetics
Classification: Likely benign. Last evaluated: 2025-11-02. Review status: criteria provided, single submitter. Criteria: Ambry Variant Classification Scheme 2023. Collection method: clinical testing. Allele origin: germline.

PreventionGenetics, part of Exact Sciences
Classification: Uncertain significance for ADCY10-related condition. Last evaluated: 2024-11-09. Review status: criteria provided, single submitter. Criteria: ACMG Guidelines, 2015. Collection method: clinical testing. Allele origin: germline.
Comment: The ADCY10 c.986A>G variant is predicted to result in the amino acid substitution p.Gln329Arg. To our knowledge, this variant has not been reported in the literature. A Arginine residue is present at the same codon in several species, suggesting this variant may be tolerated. This variant is reported in 0.0062% of alleles in individuals of African descent in gnomAD v2 (as displayed in the table above). However, in gnomAD v4 (available only on GRCh38), this variant is reported in 0.012% of alleles in individuals of European descent and in 144 heterozygous individuals globally, which is likely too common for a highly penetrant dominant pathogenic variant. Although we suspect that this variant may be benign, the clinical significance of this variant is classified as uncertain at this time due to insufficient functional and genetic evidence.

Blueprint Genetics
Classification: Likely benign. Last evaluated: 2023-05-04. Review status: criteria provided, single submitter. Criteria: ACMG Guidelines, 2015. Collection method: clinical testing. Allele origin: germline.